The following is an entry in ClinVar:

NM_000368.5(TSC1):c.1209G>A (p.Ser403=)

Gene: TSC1 (TSC complex subunit 1; minus strand). Cytogenetic location: 9q34.13.
Variant type: single nucleotide variant.
Coding change: c.1209G>A on transcript NM_000368.5 (MANE Select); coding-DNA position 1209, G replaced by A.
Protein change: p.Ser403=; no amino-acid change (serine 403 retained).
Molecular consequence: synonymous variant.
Genome position (GRCh38, 1-based): chr9:132,910,625, C>T on the plus strand (G>A on the coding strand, the complement: TSC1 is on the minus strand). VCF-style: chr9-132910625-C-T. GRCh37 (hg19) VCF-style: chr9-135786012-C-T.
Other names: c.1206G>A, p.Ser402= (NM_001162426.2); c.1056G>A, p.Ser352= (NM_001162427.2); c.846G>A, p.Ser282= (NM_001362177.2).
Identifiers: ClinVar variation 411262 (VCV000411262.50), dbSNP rs141184479, ClinGen allele CA027292.

ClinVar aggregate classification (germline): Conflicting classifications of pathogenicity. Review status: criteria provided, conflicting classifications (1 of 4 stars). 10 submissions from 10 submitters: Uncertain significance (1); Benign (3); Likely benign (6). Last evaluated 2026-09-01.

Conditions:
Tuberous sclerosis syndrome (TSC). Also called: Tuberous Sclerosis Complex; Tuberous sclerosis. Identifiers: Orphanet 805, MedGen C0041341, MONDO:0001734.
Tuberous sclerosis 1 (TSC1). Identifiers: Orphanet 805, MedGen C1854465, MONDO:0008612, OMIM 191100.
Hereditary cancer-predisposing syndrome. Also called: Hereditary neoplastic syndrome; Neoplastic Syndromes, Hereditary; Hereditary Cancer Syndrome; Tumor predisposition. Identifiers: Orphanet 140162, MedGen C0027672, MeSH D009386, MONDO:0015356.
TSC1-related disorder. Also called: TSC1-related condition.

Allele frequency attached by ClinVar (database versions not stated): gnomAD exomes 0.00001; ExAC 0.00002; gnomAD 0.00005 and 0.00006; TOPMed 0.00008; ESP Exome Variant Server 0.00015.
gnomAD v4.1: 51 of 1,613,900 alleles (0.0032%); highest among the groups gnomAD compares: Middle Eastern, 0.033%; no homozygotes.

Submissions (10):

CeGaT Center for Human Genetics Tuebingen
Classification: Likely benign. Last evaluated: 2026-09-01. Review status: criteria provided, single submitter. Criteria: CeGaT Center For Human Genetics Tuebingen Variant Classification Criteria Version 2. Collection method: clinical testing. Allele origin: germline. Affected: yes. Observed: 5 variant alleles.
Comment: TSC1: BP4, BP7

Labcorp Genetics (formerly Invitae), Labcorp
Classification: Benign for Tuberous sclerosis 1. Last evaluated: 2026-01-26. Review status: criteria provided, single submitter. Criteria: Invitae Variant Classification Sherloc (09022015). Collection method: clinical testing. Allele origin: germline.

PreventionGenetics, part of Exact Sciences
Classification: Likely benign for TSC1-related condition. Last evaluated: 2025-06-29. Review status: criteria provided, single submitter. Criteria: ACMG Guidelines, 2015. Collection method: clinical testing. Allele origin: germline.
Comment: This variant is classified as likely benign based on ACMG/AMP sequence variant interpretation guidelines (Richards et al. 2015 PMID: 25741868, with internal and published modifications).

Myriad Genetics, Inc.
Classification: Benign for Tuberous sclerosis 1. Last evaluated: 2025-04-09. Review status: criteria provided, single submitter. Criteria: Myriad Autosomal Dominant, Autosomal Recessive and X-Linked Classification Criteria (2023). Collection method: clinical testing. Allele origin: unknown.
Comment: This variant is considered benign. This variant is a silent/synonymous amino acid change and it is not expected to impact splicing.

All of Us Research Program, National Institutes of Health
Classification: Likely benign for Tuberous sclerosis syndrome. Last evaluated: 2024-02-05. Review status: criteria provided, single submitter. Criteria: ACMG Guidelines, 2015. Collection method: clinical testing. Allele origin: germline. Inheritance: Autosomal dominant inheritance. Observed: 11 variant alleles, 11 heterozygotes.
Comment: This variant is a synonymous variant at codon 403 in the TSC1 protein. Splice site prediction tools suggest that this variant may impact RNA splicing via the creation of a new donor site. To our knowledge, RNA studies have not been reported for this variant. This variant has not been reported in individuals affected with tuberous sclerosis in the literature. This variant has been identified in 5/282500 chromosomes in the general population by the Genome Aggregation Database (gnomAD). The available evidence is insufficient to determine the role of this variant in disease conclusively. Therefore, this variant is classified as a Variant of Uncertain Significance.

This study involves interpretation of variants in research participants for the purpose of population health screening. Participant phenotype was not available at the time of variant classification. Additional details can be found in publication PMID: 35346344, PMCID: PMC8962531

Color Diagnostics, LLC DBA Color Health
Classification: Likely benign for Tuberous sclerosis syndrome. Last evaluated: 2023-03-01. Review status: criteria provided, single submitter. Criteria: ACMG Guidelines, 2015. Collection method: clinical testing. Allele origin: germline.

Genome-Nilou Lab
Classification: Benign for Tuberous sclerosis 1. Last evaluated: 2021-11-07. Review status: criteria provided, single submitter. Criteria: ACMG Guidelines, 2015. Collection method: clinical testing. Allele origin: germline. Affected: no.

Sema4
Classification: Uncertain significance for Hereditary cancer-predisposing syndrome. Last evaluated: 2021-08-30. Review status: criteria provided, single submitter. Criteria: Sema4 Curation Guidelines. Collection method: curation. Allele origin: germline.
Comment: The TSC1 c.1209G>A (p.S403=) variant has not been reported in the literature to our knowledge. It was observed in 3/24944 chromosomes of the African/African American subpopulation in the large and broad cohorts of the Genome Aggregation Database (PMID: 32461654). The variant has been reported in ClinVar (Variation ID 411262). In silico tools suggest the variant may potentially have an impact on splicing, though these predictions have not been confirmed by functional studies. The evidence is insufficient to meet ACMG/AMP criteria for classifying the variant as benign or pathogenic. Thus, the clinical significance of this variant is currently uncertain.

GeneDx
Classification: Likely benign. Last evaluated: 2019-08-06. Review status: criteria provided, single submitter. Criteria: GeneDx Variant Classification Process June 2021. Collection method: clinical testing. Allele origin: germline. Affected: yes.

Ambry Genetics
Classification: Likely benign for Hereditary cancer-predisposing syndrome. Last evaluated: 2017-03-30. Review status: criteria provided, single submitter. Criteria: Ambry Variant Classification Scheme 2023. Collection method: clinical testing. Allele origin: germline.